The following is an entry in ClinVar:

NM_001382309.1(ATXN7L3):c.895+4C>T

Gene: ATXN7L3 (ataxin 7 like 3; minus strand). Cytogenetic location: 17q21.31.
Variant type: single nucleotide variant.
Coding change: c.895+4C>T on transcript NM_001382309.1 (MANE Select); 4 bases into the intron after coding-DNA position 895, C replaced by T.
Molecular consequence: intron variant.
Genome position (GRCh38, 1-based): chr17:44,194,513, G>A on the plus strand (C>T on the coding strand, the complement: ATXN7L3 is on the minus strand). VCF-style: chr17-44194513-G-A. GRCh37 (hg19) VCF-style: chr17-42271881-G-A.
Other names: c.952+4C>T (NM_001382316.1); c.916+4C>T (NM_001382308.1, NM_001382314.1, NM_001382310.1 and 1 more transcripts); c.895+4C>T (NM_001382311.1, NM_001382313.1, NM_001382312.1).
Identifiers: ClinVar variation 3777788 (VCV003777788.7).
Genomic context (GRCh38, chr17:44,194,513, plus strand): 5'-CAGGAGAGGTGGCACCCCCATGGCTTTGGGCACAGAGCCCCTAGGGCCCAACTGCATCAC[G>A]TACCTAGACCCCATCCCTGATTTTCACTCGTCTTGGAGGAGCCTGAATCAGAGGGTGAGA-3'

ClinVar aggregate classification (germline): Likely benign (1 of 4 stars; one submission).

gnomAD v4.1: 12,674 of 1,613,434 alleles (0.79%); highest among the groups gnomAD compares: Non-Finnish European, 0.91%; 49 homozygotes.

Submission:

CeGaT Center for Human Genetics Tuebingen
Classification: Likely benign. Last evaluated: 2026-04-01. Review status: criteria provided, single submitter. Criteria: CeGaT Center For Human Genetics Tuebingen Variant Classification Criteria Version 2. Collection method: clinical testing. Allele origin: germline. Affected: yes. Observed: 9 variant alleles.
Comment: ATXN7L3: BP4, BS2